The following is an entry in ClinVar:

NM_005458.8(GABBR2):c.175A>T (p.Met59Leu)

Gene: GABBR2 (gamma-aminobutyric acid type B receptor subunit 2; minus strand). Cytogenetic location: 9q22.33.
Variant type: single nucleotide variant.
Coding change: c.175A>T on transcript NM_005458.8 (MANE Select); coding-DNA position 175, A replaced by T.
Protein change: p.Met59Leu; replaces methionine 59 with leucine.
Molecular consequence: missense variant.
Genome position (GRCh38, 1-based): chr9:98,708,563, T>A on the plus strand (A>T on the coding strand, the complement: GABBR2 is on the minus strand). VCF-style: chr9-98708563-T-A. GRCh37 (hg19) VCF-style: chr9-101470845-T-A.
Other names: short protein forms M59L.
Identifiers: ClinVar variation 1484905 (VCV001484905.8), dbSNP rs374226063, ClinGen allele CA5153057.

ClinVar aggregate classification (germline): Uncertain significance (1 of 4 stars; one submission).

Conditions:
Epileptic encephalopathy. Identifiers: MedGen C0543888, HP:0200134.

Allele frequency attached by ClinVar (database versions not stated): gnomAD exomes below 0.00001; TOPMed below 0.00001; ExAC 0.00001; ESP Exome Variant Server 0.00008.
gnomAD v4.1: 4 of 1,564,818 alleles (0.00026%); highest among the groups gnomAD compares: Non-Finnish European, 0.00035%; no homozygotes.

Submission:

Labcorp Genetics (formerly Invitae), Labcorp
Classification: Uncertain significance for Epileptic encephalopathy. Last evaluated: 2023-06-13. Review status: criteria provided, single submitter. Criteria: Invitae Variant Classification Sherloc (09022015). Collection method: clinical testing. Allele origin: germline.
Comment: This sequence change replaces methionine, which is neutral and non-polar, with leucine, which is neutral and non-polar, at codon 59 of the GABBR2 protein (p.Met59Leu). The frequency data for this variant in the population databases is considered unreliable, as metrics indicate poor data quality at this position in the gnomAD database. This variant has not been reported in the literature in individuals affected with GABBR2-related conditions. ClinVar contains an entry for this variant (Variation ID: 1484905). Advanced modeling of protein sequence and biophysical properties (such as structural, functional, and spatial information, amino acid conservation, physicochemical variation, residue mobility, and thermodynamic stability) performed at Invitae indicates that this missense variant is not expected to disrupt GABBR2 protein function. In summary, the available evidence is currently insufficient to determine the role of this variant in disease. Therefore, it has been classified as a Variant of Uncertain Significance.